The following is an entry in ClinVar:

NM_001024630.4(RUNX2):c.*801G>A

Gene: RUNX2 (RUNX family transcription factor 2; plus strand). Cytogenetic location: 6p21.1.
Variant type: single nucleotide variant.
Coding change: c.*801G>A on transcript NM_001024630.4 (MANE Select); 801 bases downstream of the stop codon, G replaced by A.
Molecular consequence: 3 prime UTR variant.
Genome position (GRCh38, 1-based): chr6:45,548,106, G>A. VCF-style: chr6-45548106-G-A. GRCh37 (hg19) VCF-style: chr6-45515843-G-A.
Other names: c.*801G>A (NM_001015051.4, NM_001278478.2, NM_001369405.1).
Identifiers: ClinVar variation 909230 (VCV000909230.4), dbSNP rs143518330, ClinGen allele CA138460711.

ClinVar aggregate classification (germline): Benign (1 of 4 stars; one submission).

Conditions:
Cleidocranial dysostosis (CLCD1). Also called: Marie-Sainton disease; cleidocranial dysplasia 1; Cleidocranial Dysplasia Spectrum Disorder. Identifiers: Orphanet 1452, MedGen C0008928, MONDO:0007340, OMIM 119600.

Allele frequency attached by ClinVar (database versions not stated): 1000 Genomes Project 30x 0.00078; 1000 Genomes Project 0.00100; gnomAD 0.00123; TOPMed 0.00141.

Submission:

Illumina Laboratory Services, Illumina
Classification: Benign for Cleidocranial dysostosis. Last evaluated: 2018-01-12. Review status: criteria provided, single submitter. Criteria: ICSL Variant Classification Criteria 13 December 2019. Collection method: clinical testing. Allele origin: germline.
Comment: This variant was observed in the ICSL laboratory as part of a predisposition screen in an ostensibly healthy population. It had not been previously curated by ICSL or reported in the Human Gene Mutation Database (HGMD: prior to June 1st, 2018), and was therefore a candidate for classification through an automated scoring system. Utilizing variant allele frequency, disease prevalence and penetrance estimates, and inheritance mode, an automated score was calculated to assess if this variant is too frequent to cause the disease. Based on the score and internal cut-off values, a variant classified as benign is not then subjected to further curation. The score for this variant resulted in a classification of benign for this disease.